The following is an entry in ClinVar:

NM_001743.6(CALM2):c.231G>T (p.Met77Ile)

Gene: CALM2 (calmodulin 2; minus strand). Cytogenetic location: 2p21.
Variant type: single nucleotide variant.
Coding change: c.231G>T on transcript NM_001743.6 (MANE Select); coding-DNA position 231, G replaced by T.
Protein change: p.Met77Ile; replaces methionine 77 with isoleucine.
Molecular consequence: missense variant.
Genome position (GRCh38, 1-based): chr2:47,162,340, C>A on the plus strand (G>T on the coding strand, the complement: CALM2 is on the minus strand). VCF-style: chr2-47162340-C-A. GRCh37 (hg19) VCF-style: chr2-47389479-C-A.
Other names: c.375G>T, p.Met125Ile (NM_001305624.1); c.123G>T, p.Met41Ile (NM_001305625.2, NM_001305626.1); short protein forms M125I, M41I, M77I.
Identifiers: ClinVar variation 5017670 (VCV005017670.1).
Genomic context (GRCh38, chr2:47,162,340, plus strand): 5'-ACGTACCTTATCAAACACACGGAATGCTTCTCTAATTTCTTCTTCACTGTCTGTGTCTTT[C>A]ATTTTTCTTGCCATCATTGTCAGAAATTCAGGGAAGTCAATTGTGCCATTACCTGAAATG-3'
Protein context (NP_001734.1, residues 67-87): PEFLTMMARK[Met77Ile]KDTDSEEEIR

ClinVar aggregate classification (germline): Uncertain significance (1 of 4 stars; one submission).

Submission:

GeneDx
Classification: Uncertain significance. Last evaluated: 2026-03-27. Review status: criteria provided, single submitter. Criteria: GeneDx Variant Classification Process June 2021. Collection method: clinical testing. Allele origin: germline.
Comment: Not observed at significant frequency in large population cohorts (gnomAD); In silico analysis supports that this missense variant has a deleterious effect on protein structure/function; Has not been previously published as pathogenic or benign to our knowledge